The following is an entry in ClinVar:

NM_001005373.4(LRSAM1):c.1311G>A (p.Met437Ile)

Gene: LRSAM1 (leucine rich repeat and sterile alpha motif containing 1; plus strand). Cytogenetic location: 9q33.3.
Variant type: single nucleotide variant.
Coding change: c.1311G>A on transcript NM_001005373.4 (MANE Select); coding-DNA position 1311, G replaced by A.
Protein change: p.Met437Ile; replaces methionine 437 with isoleucine.
Molecular consequence: missense variant. On other transcripts: non-coding transcript variant (2).
Genome position (GRCh38, 1-based): chr9:127,487,727, G>A. VCF-style: chr9-127487727-G-A. GRCh37 (hg19) VCF-style: chr9-130250006-G-A.
Other names: c.1311G>A, p.Met437Ile (NM_001005374.4, NM_001190723.3, NM_001384142.1 and 2 more transcripts); c.522G>A, p.Met174Ile (NM_001384144.1); short protein forms M174I, M437I.
Identifiers: ClinVar variation 2894068 (VCV002894068.3), dbSNP rs758810654, ClinGen allele CA5246927.

ClinVar aggregate classification (germline): Uncertain significance (1 of 4 stars; one submission).

Conditions:
Charcot-Marie-Tooth disease axonal type 2P. Also called: CHARCOT-MARIE-TOOTH NEUROPATHY, TYPE 2P; CHARCOT-MARIE-TOOTH DISEASE, AXONAL, TYPE 2G; CMT 2G; Charcot-Marie-Tooth Neuropathy Type 2G. Identifiers: Orphanet 300319, Orphanet 99941, MedGen C3280797, MONDO:0013753, OMIM 614436.

Allele frequency attached by ClinVar (database versions not stated): ExAC 0.00002.
gnomAD v4.1: 3 of 1,613,690 alleles (0.00019%); highest among the groups gnomAD compares: Non-Finnish European, 0.00025%; no homozygotes.

Submission:

Labcorp Genetics (formerly Invitae), Labcorp
Classification: Uncertain significance for Charcot-Marie-Tooth disease axonal type 2P. Last evaluated: 2024-12-05. Review status: criteria provided, single submitter. Criteria: Invitae Variant Classification Sherloc (09022015). Collection method: clinical testing. Allele origin: germline.
Comment: This sequence change replaces methionine, which is neutral and non-polar, with isoleucine, which is neutral and non-polar, at codon 437 of the LRSAM1 protein (p.Met437Ile). This variant is present in population databases (rs758810654, gnomAD 0.002%). This variant has not been reported in the literature in individuals affected with LRSAM1-related conditions. ClinVar contains an entry for this variant (Variation ID: 2894068). Invitae Evidence Modeling of protein sequence and biophysical properties (such as structural, functional, and spatial information, amino acid conservation, physicochemical variation, residue mobility, and thermodynamic stability) indicates that this missense variant is not expected to disrupt LRSAM1 protein function with a negative predictive value of 80%. In summary, the available evidence is currently insufficient to determine the role of this variant in disease. Therefore, it has been classified as a Variant of Uncertain Significance.